The following is an entry in ClinVar:

NM_007214.5(SEC63):c.1819A>G (p.Lys607Glu)

Gene: SEC63 (SEC63 protein translocation regulator; minus strand). Cytogenetic location: 6q21.
Variant type: single nucleotide variant.
Coding change: c.1819A>G on transcript NM_007214.5 (MANE Select); coding-DNA position 1819, A replaced by G.
Protein change: p.Lys607Glu; replaces lysine 607 with glutamic acid.
Molecular consequence: missense variant.
Genome position (GRCh38, 1-based): chr6:107,883,002, T>C on the plus strand (A>G on the coding strand, the complement: SEC63 is on the minus strand). VCF-style: chr6-107883002-T-C. GRCh37 (hg19) VCF-style: chr6-108204206-T-C.
Other names: short protein forms K607E.
Identifiers: ClinVar variation 2982969 (VCV002982969.3), dbSNP rs376874629, ClinGen allele CA3947268.

ClinVar aggregate classification (germline): Uncertain significance (1 of 4 stars; one submission).

Allele frequency attached by ClinVar (database versions not stated): gnomAD 0.00001; gnomAD exomes 0.00001; ExAC 0.00002; TOPMed 0.00002; ESP Exome Variant Server 0.00008.
gnomAD v4.1: 6 of 1,601,304 alleles (0.00037%); highest among the groups gnomAD compares: Non-Finnish European, 0.00051%; no homozygotes.

Submission:

Labcorp Genetics (formerly Invitae), Labcorp
Classification: Uncertain significance. Last evaluated: 2023-05-20. Review status: criteria provided, single submitter. Criteria: Invitae Variant Classification Sherloc (09022015). Collection method: clinical testing. Allele origin: germline.
Comment: In summary, the available evidence is currently insufficient to determine the role of this variant in disease. Therefore, it has been classified as a Variant of Uncertain Significance. An algorithm developed to predict the effect of missense changes on protein structure and function (PolyPhen-2) suggests that this variant is likely to be tolerated. This variant has not been reported in the literature in individuals affected with SEC63-related conditions. This variant is present in population databases (rs376874629, gnomAD 0.002%). This sequence change replaces lysine, which is basic and polar, with glutamic acid, which is acidic and polar, at codon 607 of the SEC63 protein (p.Lys607Glu).